The following is an entry in ClinVar:

ClinVar aggregate classification (germline): Uncertain significance (1 of 4 stars; one submission).

Conditions:
Tatton-Brown-Rahman overgrowth syndrome. Also called: Tall stature-intellectual disability-facial dysmorphism syndrome; Tatton-Brown-Rahman syndrome. Identifiers: Orphanet 404443, MedGen C4014545, MONDO:0014382, OMIM 615879.

Allele frequency attached by ClinVar (database versions not stated): ExAC 0.00005; ESP Exome Variant Server 0.00008.
gnomAD v4.1: 7 of 1,552,042 alleles (0.00045%); highest among the groups gnomAD compares: South Asian, 0.0012%; no homozygotes.

Submission:

Labcorp Genetics (formerly Invitae), Labcorp
Classification: Uncertain significance for Tatton-Brown-Rahman overgrowth syndrome. Last evaluated: 2022-10-07. Review status: criteria provided, single submitter. Criteria: Invitae Variant Classification Sherloc (09022015). Collection method: clinical testing. Allele origin: germline.
Comment: This sequence change replaces leucine, which is neutral and non-polar, with proline, which is neutral and non-polar, at codon 637 of the DNMT3A protein (p.Leu637Pro). In summary, the available evidence is currently insufficient to determine the role of this variant in disease. Therefore, it has been classified as a Variant of Uncertain Significance. Advanced modeling of protein sequence and biophysical properties (such as structural, functional, and spatial information, amino acid conservation, physicochemical variation, residue mobility, and thermodynamic stability) performed at Invitae indicates that this missense variant is expected to disrupt DNMT3A protein function. This variant has not been reported in the literature in individuals affected with DNMT3A-related conditions. The frequency data for this variant in the population databases is considered unreliable, as metrics indicate poor data quality at this position in the gnomAD database.

NM_022552.5(DNMT3A):c.1910T>C (p.Leu637Pro)

Gene: DNMT3A (DNA methyltransferase 3 alpha; minus strand). Cytogenetic location: 2p23.3.
Variant type: single nucleotide variant.
Coding change: c.1910T>C on transcript NM_022552.5 (MANE Select); coding-DNA position 1910, T replaced by C.
Protein change: p.Leu637Pro; replaces leucine 637 with proline.
Molecular consequence: missense variant. On other transcripts: non-coding transcript variant (1).
Genome position (GRCh38, 1-based): chr2:25,243,924, A>G on the plus strand (T>C on the coding strand, the complement: DNMT3A is on the minus strand). VCF-style: chr2-25243924-A-G. GRCh37 (hg19) VCF-style: chr2-25466793-A-G.
Other names: c.1454T>C, p.Leu485Pro (NM_001320893.1); c.1241T>C, p.Leu414Pro (NM_001375819.1); c.1343T>C, p.Leu448Pro (NM_153759.3); c.1910T>C, p.Leu637Pro (NM_175629.2); short protein forms L414P, L448P, L637P, L485P.
Identifiers: ClinVar variation 1959311 (VCV001959311.5), dbSNP rs371523368, ClinGen allele CA1555824.